The following is an entry in ClinVar:

NM_002907.4(RECQL):c.1217-3C>T

Gene: RECQL (RecQ like helicase; minus strand). Cytogenetic location: 12p12.1.
Variant type: single nucleotide variant.
Coding change: c.1217-3C>T on transcript NM_002907.4 (MANE Select); 3 bases into the intron before coding-DNA position 1217, C replaced by T.
Molecular consequence: intron variant.
Genome position (GRCh38, 1-based): chr12:21,474,982, G>A on the plus strand (C>T on the coding strand, the complement: RECQL is on the minus strand). VCF-style: chr12-21474982-G-A. GRCh37 (hg19) VCF-style: chr12-21627916-G-A.
Other names: c.1217-3C>T (NM_032941.3, NM_002907.3).
Identifiers: ClinVar variation 1047580 (VCV001047580.7), dbSNP rs367971541, ClinGen allele CA6478815.

ClinVar aggregate classification (germline): Uncertain significance. Review status: criteria provided, multiple submitters, no conflicts (2 of 4 stars). 2 submissions from 2 submitters: Uncertain significance (2). Last evaluated 2026-01-21.

Allele frequency attached by ClinVar (database versions not stated): gnomAD 0.00001; ExAC 0.00002; gnomAD exomes 0.00002; TOPMed 0.00002; ESP Exome Variant Server 0.00008.
gnomAD v4.1: 28 of 1,610,114 alleles (0.0017%); highest among the groups gnomAD compares: East Asian, 0.054%; no homozygotes.

Submissions (2):

Labcorp Genetics (formerly Invitae), Labcorp
Classification: Uncertain significance. Last evaluated: 2026-01-21. Review status: criteria provided, single submitter. Criteria: Invitae Variant Classification Sherloc (09022015). Collection method: clinical testing. Allele origin: germline.
Comment: This sequence change falls in intron 10 of the RECQL gene. It does not directly change the encoded amino acid sequence of the RECQL protein. It affects a nucleotide within the consensus splice site. This variant is present in population databases (rs367971541, gnomAD 0.02%). This variant has not been reported in the literature in individuals affected with RECQL-related conditions. ClinVar contains an entry for this variant (Variation ID: 1047580). Variants that disrupt the consensus splice site are a relatively common cause of aberrant splicing (PMID: 17576681, 9536098). Algorithms developed to predict the effect of sequence changes on RNA splicing suggest that this variant is not likely to affect RNA splicing. In summary, the available evidence is currently insufficient to determine the role of this variant in disease. Therefore, it has been classified as a Variant of Uncertain Significance.

Quest Diagnostics Nichols Institute San Juan Capistrano
Classification: Uncertain significance. Last evaluated: 2024-11-26. Review status: criteria provided, single submitter. Criteria: Quest Diagnostics criteria. Collection method: clinical testing. Allele origin: unknown.
Comment: The RECQL c.1217-3C>T variant has not been reported in individuals with RECQL-related conditions in the published literature. The frequency of this variant in the general population, 0.00016 (3/18328 chromosomes (Genome Aggregation Database)), is uninformative in the assessment of its pathogenicity. Analysis of this variant using software algorithms for the prediction of the effect of nucleotide changes on splicing yielded predictions that this variant does not affect RECQL mRNA splicing. Based on the available information, we are unable to determine the clinical significance of this variant.

Literature cited by the submitters: PubMed 17576681 (cited by Labcorp Genetics (formerly Invitae), Labcorp); PubMed 9536098 (cited by Labcorp Genetics (formerly Invitae), Labcorp).